The following is an entry in ClinVar:

ClinVar aggregate classification (germline): Conflicting classifications of pathogenicity. Review status: criteria provided, conflicting classifications (1 of 4 stars). 5 submissions from 5 submitters: Uncertain significance (1); Likely benign (4). Last evaluated 2025-04-03.

Allele frequency attached by ClinVar (database versions not stated): gnomAD 0.00001; gnomAD exomes 0.00001 and 0.00004; TOPMed 0.00001.
gnomAD v4.1: 59 of 1,613,564 alleles (0.0037%); highest among the groups gnomAD compares: Non-Finnish European, 0.0047%; no homozygotes.

Submissions (5):

Quest Diagnostics Nichols Institute San Juan Capistrano
Classification: Likely benign. Last evaluated: 2025-04-03. Review status: criteria provided, single submitter. Criteria: Quest Diagnostics criteria. Collection method: clinical testing. Allele origin: unknown.

Labcorp Genetics (formerly Invitae), Labcorp
Classification: Likely benign. Last evaluated: 2024-02-05. Review status: criteria provided, single submitter. Criteria: Invitae Variant Classification Sherloc (09022015). Collection method: clinical testing. Allele origin: germline.

Blueprint Genetics
Classification: Likely benign. Last evaluated: 2023-07-13. Review status: criteria provided, single submitter. Criteria: ACMG Guidelines, 2015. Collection method: clinical testing. Allele origin: germline.

Ambry Genetics
Classification: Likely benign. Last evaluated: 2022-06-12. Review status: criteria provided, single submitter. Criteria: Ambry Variant Classification Scheme 2023. Collection method: clinical testing. Allele origin: germline.

GeneDx
Classification: Uncertain significance. Last evaluated: 2020-06-24. Review status: criteria provided, single submitter. Criteria: GeneDx Variant Classification Process June 2021. Collection method: clinical testing. Allele origin: germline. Affected: yes.
Comment: Not observed at a significant frequency in large population cohorts (Lek 2016); Has not been previously published as pathogenic or benign to our knowledge; In silico analysis suggests this variant may impact gene splicing. In the absence of RNA/functional studies, the actual effect of this sequence change is unknown.

NM_002907.4(RECQL):c.789G>A (p.Thr263=)

Gene: RECQL (RecQ like helicase; minus strand). Cytogenetic location: 12p12.1.
Variant type: single nucleotide variant.
Coding change: c.789G>A on transcript NM_002907.4 (MANE Select); coding-DNA position 789, G replaced by A.
Protein change: p.Thr263=; no amino-acid change (threonine 263 retained).
Molecular consequence: synonymous variant.
Genome position (GRCh38, 1-based): chr12:21,477,881, C>T on the plus strand (G>A on the coding strand, the complement: RECQL is on the minus strand). VCF-style: chr12-21477881-C-T. GRCh37 (hg19) VCF-style: chr12-21630815-C-T.
Other names: c.789G>A, p.Thr263= (NM_032941.3).
Identifiers: ClinVar variation 854145 (VCV000854145.15), dbSNP rs774302679, ClinGen allele CA233571086.